The following is an entry in ClinVar:

ClinVar aggregate classification (germline): Benign/Likely benign. Review status: criteria provided, multiple submitters, no conflicts (2 of 4 stars). 5 submissions from 5 submitters: Benign (2); Likely benign (2). 1 of the submissions does not count toward it. Last evaluated 2026-01-24.

Conditions:
FAT4-related disorder. Also called: FAT4-related condition.

Allele frequency attached by ClinVar (database versions not stated): gnomAD 0.00032 and 0.00053; gnomAD exomes 0.00033 and 0.00112; TOPMed 0.00081; ExAC 0.00112; 1000 Genomes Project 30x 0.00281; 1000 Genomes Project 0.00319.
gnomAD v4.1: 571 of 1,613,738 alleles (0.035%); highest among the groups gnomAD compares: East Asian, 1.1%; 4 homozygotes.

Submissions (5):

Labcorp Genetics (formerly Invitae), Labcorp
Classification: Benign. Last evaluated: 2026-01-24. Review status: criteria provided, single submitter. Criteria: Invitae Variant Classification Sherloc (09022015). Collection method: clinical testing. Allele origin: germline.

CeGaT Center for Human Genetics Tuebingen
Classification: Likely benign. Last evaluated: 2025-03-01. Review status: criteria provided, single submitter. Criteria: CeGaT Center For Human Genetics Tuebingen Variant Classification Criteria Version 2. Collection method: clinical testing. Allele origin: germline. Affected: yes. Observed: 3 variant alleles.
Comment: FAT4: BP4, BP7, BS1

Blueprint Genetics
Classification: Likely benign. Last evaluated: 2024-11-21. Review status: criteria provided, single submitter. Criteria: ACMG Guidelines, 2015. Collection method: clinical testing. Allele origin: germline.

Breakthrough Genomics
Classification: Benign. Review status: criteria provided, single submitter. Criteria: ACMG Guidelines, 2015. Collection method: not provided. Allele origin: germline. Inheritance: Autosomal recessive inheritance. Affected: yes.

PreventionGenetics, part of Exact Sciences
Classification: Benign for FAT4-related condition. Last evaluated: 2019-03-06. Review status: no assertion criteria provided. Collection method: clinical testing. Allele origin: germline. Not counted in ClinVar's aggregate classification.
Comment: This variant is classified as benign based on ACMG/AMP sequence variant interpretation guidelines (Richards et al. 2015 PMID: 25741868, with internal and published modifications).

NM_001291303.3(FAT4):c.8055C>T (p.Ser2685=)

Gene: FAT4 (FAT atypical cadherin 4; plus strand). Cytogenetic location: 4q28.1.
Variant type: single nucleotide variant.
Coding change: c.8055C>T on transcript NM_001291303.3 (MANE Select); coding-DNA position 8055, C replaced by T.
Protein change: p.Ser2685=; no amino-acid change (serine 2685 retained).
Molecular consequence: synonymous variant.
Genome position (GRCh38, 1-based): chr4:125,449,065, C>T. VCF-style: chr4-125449065-C-T. GRCh37 (hg19) VCF-style: chr4-126370220-C-T.
Other names: c.8055C>T, p.Ser2685= (NM_001291285.3); c.8049C>T, p.Ser2683= (NM_024582.6).
Identifiers: ClinVar variation 722056 (VCV000722056.35), dbSNP rs139033158, ClinGen allele CA3073301.
Genomic context (GRCh38, chr4:125,449,065, plus strand): 5'-TGATAATGCCCCAATTTTTAAGGAAGACCCATTTATATCTGAAATATTGGAAAACCTTTC[C>T]CCTCGAAAAATACTTACTGTTTCGGCAATGGACAAGGACAGTGGACCCAATGGACAGTTA-3'
Protein context (NP_001278232.1, residues 2675-2695): PFISEILENL[Ser2685=]PRKILTVSAM